The following is an entry in ClinVar:

ClinVar aggregate classification (germline): Pathogenic (1 of 4 stars; one submission).

Conditions:
Hereditary cancer-predisposing syndrome. Also called: Neoplastic Syndromes, Hereditary; Tumor predisposition; Hereditary neoplastic syndrome; Hereditary Cancer Syndrome. Identifiers: Orphanet 140162, MedGen C0027672, MeSH D009386, MONDO:0015356.

Submission:

Ambry Genetics
Classification: Pathogenic for Hereditary cancer-predisposing syndrome. Last evaluated: 2023-01-05. Review status: criteria provided, single submitter. Criteria: Ambry Variant Classification Scheme 2023. Collection method: clinical testing. Allele origin: germline.
Comment: The p.L1129* pathogenic mutation (also known as c.3386T>A), located in coding exon 15 of the APC gene, results from a T to A substitution at nucleotide position 3386. This changes the amino acid from a leucine to a stop codon within coding exon 15. This alteration has been observed in at least one individual with a personal and/or family history that is consistent with APC-related disease (Ambry internal data). This variant is considered to be rare based on population cohorts in the Genome Aggregation Database (gnomAD). This alteration is expected to result in loss of function by premature protein truncation or nonsense-mediated mRNA decay. As such, this alteration is interpreted as a disease-causing mutation.

NM_000038.6(APC):c.3386T>A (p.Leu1129Ter)

Gene: APC (APC regulator of Wnt signaling pathway; plus strand). Cytogenetic location: 5q22.2.
Variant type: single nucleotide variant.
Coding change: c.3386T>A on transcript NM_000038.6 (MANE Select); coding-DNA position 3386, T replaced by A.
Protein change: p.Leu1129Ter; replaces leucine 1129 with a stop codon.
Molecular consequence: nonsense. On other transcripts: non-coding transcript variant (2).
Genome position (GRCh38, 1-based): chr5:112,838,980, T>A. VCF-style: chr5-112838980-T-A. GRCh37 (hg19) VCF-style: chr5-112174677-T-A.
Other names: c.3386T>A, p.Leu1129Ter (NM_001127510.3, NM_001354895.2, NM_001407450.1); c.3332T>A, p.Leu1111Ter (NM_001127511.3); c.3440T>A, p.Leu1147Ter (NM_001354896.2, NM_001407447.1, NM_001407448.1 and 1 more transcripts); c.3416T>A, p.Leu1139Ter (NM_001354897.2); c.3311T>A, p.Leu1104Ter (NM_001354898.2); c.3302T>A, p.Leu1101Ter (NM_001354899.2); c.3263T>A, p.Leu1088Ter (NM_001354900.2); c.3209T>A, p.Leu1070Ter (NM_001354901.2, NM_001407453.1); and 11 more; short protein forms L1104*, L1111*, L1122*, L1139*, L846*, L1000*, L1028*, L1038*.
Identifiers: ClinVar variation 2452701 (VCV002452701.2), dbSNP rs143638171, ClinGen allele CA16028750.
Genomic context (GRCh38, chr5:112,838,980, plus strand): 5'-GTTCAGAAACAAATCGAGTGGGTTCTAATCATGGAATTAATCAAAATGTAAGCCAGTCTT[T>A]GTGTCAAGAAGATGACTATGAAGATGATAAGCCTACCAATTATAGTGAACGTTACTCTGA-3'